The following is an entry in ClinVar:

NM_001242896.3(DEPDC5):c.870A>G (p.Ala290=)

Gene: DEPDC5 (DEP domain containing 5, GATOR1 subcomplex subunit; plus strand). Cytogenetic location: 22q12.2.
Variant type: single nucleotide variant.
Coding change: c.870A>G on transcript NM_001242896.3 (MANE Select); coding-DNA position 870, A replaced by G.
Protein change: p.Ala290=; no amino-acid change (alanine 290 retained).
Molecular consequence: synonymous variant. On other transcripts: non-coding transcript variant (4).
Genome position (GRCh38, 1-based): chr22:31,797,702, A>G. VCF-style: chr22-31797702-A-G. GRCh37 (hg19) VCF-style: chr22-32193688-A-G.
Other names: c.870A>G, p.Ala290= (NM_001007188.4, NM_001136029.4, NM_001242897.2 and 7 more transcripts); c.786A>G, p.Ala262= (NM_001369901.1, NM_001369902.1).
Identifiers: ClinVar variation 1404065 (VCV001404065.8), dbSNP rs2148575505, ClinGen allele CA514265836.
Genomic context (GRCh38, chr22:31,797,702, plus strand): 5'-TCTCGTAACCATTAAAAAACTCTTCATCCAGTATCCAGTGTTGGTGCGACTGGAACAGGC[A>G]GGTACTGCATTCATGTAATAGATGGTGCGGCGGGGAAAGGAAGTGTAGGAGGGGTCTGGG-3'
Protein context (NP_001229825.1, residues 280-300): QYPVLVRLEQ[Ala290=]EGFPQGDNST

ClinVar aggregate classification (germline): Uncertain significance (1 of 4 stars; one submission).

Conditions:
Familial focal epilepsy with variable foci (FPEVF). Identifiers: Orphanet 98820, MedGen C1858477, MONDO:0020310.

gnomAD v4.1: 1 of 1,612,618 alleles (0.000062%); highest among the groups gnomAD compares: South Asian, 0.0011%; no homozygotes.

Submission:

Labcorp Genetics (formerly Invitae), Labcorp
Classification: Uncertain significance for Familial focal epilepsy with variable foci. Last evaluated: 2022-02-24. Review status: criteria provided, single submitter. Criteria: Invitae Variant Classification Sherloc (09022015). Collection method: clinical testing. Allele origin: germline.
Comment: In summary, the available evidence is currently insufficient to determine the role of this variant in disease. Therefore, it has been classified as a Variant of Uncertain Significance. Algorithms developed to predict the effect of sequence changes on RNA splicing suggest that this variant may create or strengthen a splice site. This variant has not been reported in the literature in individuals affected with DEPDC5-related conditions. This variant is not present in population databases (gnomAD no frequency). This sequence change affects codon 290 of the DEPDC5 mRNA. It is a 'silent' change, meaning that it does not change the encoded amino acid sequence of the DEPDC5 protein. It affects a nucleotide within the consensus splice site.